The following is an entry in ClinVar:

ClinVar aggregate classification (germline): Uncertain significance (1 of 4 stars; one submission).

Conditions:
Joubert syndrome. Also called: JOUBERT-BOLTSHAUSER SYNDROME; Familial aplasia of the vermis. Identifiers: Orphanet 475, MedGen C5979921, MONDO:0018772.
Meckel-Gruber syndrome. Also called: DYSENCEPHALIA SPLANCHNOCYSTICA; GRUBER SYNDROME; Dysencephalia splachnocystica. Identifiers: Orphanet 564, MedGen C0265215, MONDO:0018921.

Allele frequency attached by ClinVar (database versions not stated): gnomAD 0.00001 and 0.00002; TOPMed 0.00002.
gnomAD v4.1: 3 of 1,613,462 alleles (0.00019%); highest among the groups gnomAD compares: African/African-American, 0.0027%; no homozygotes.

Submission:

Labcorp Genetics (formerly Invitae), Labcorp
Classification: Uncertain significance for Joubert syndrome; Meckel-Gruber syndrome. Last evaluated: 2023-07-21. Review status: criteria provided, single submitter. Criteria: Invitae Variant Classification Sherloc (09022015). Collection method: clinical testing. Allele origin: germline.
Comment: This variant has not been reported in the literature in individuals affected with CC2D2A-related conditions. This variant is not present in population databases (gnomAD no frequency). This sequence change replaces proline, which is neutral and non-polar, with alanine, which is neutral and non-polar, at codon 400 of the CC2D2A protein (p.Pro400Ala). ClinVar contains an entry for this variant (Variation ID: 1390720). In summary, the available evidence is currently insufficient to determine the role of this variant in disease. Therefore, it has been classified as a Variant of Uncertain Significance. Advanced modeling of protein sequence and biophysical properties (such as structural, functional, and spatial information, amino acid conservation, physicochemical variation, residue mobility, and thermodynamic stability) performed at Invitae indicates that this missense variant is not expected to disrupt CC2D2A protein function.

NM_001378615.1(CC2D2A):c.1198C>G (p.Pro400Ala)

Genes: CC2D2A (coiled-coil and C2 domain containing 2A; plus strand), FBXL5 (F-box and leucine rich repeat protein 5; minus strand). Cytogenetic location: 4p15.32.
Variant type: single nucleotide variant.
Coding change: c.1198C>G on transcript NM_001378615.1 (MANE Select); coding-DNA position 1198, C replaced by G.
Protein change: p.Pro400Ala; replaces proline 400 with alanine.
Molecular consequence: missense variant.
Genome position (GRCh38, 1-based): chr4:15,527,495, C>G. VCF-style: chr4-15527495-C-G. GRCh37 (hg19) VCF-style: chr4-15529118-C-G.
Other names: c.1198C>G, p.Pro400Ala (NM_001080522.2); c.1051C>G, p.Pro351Ala (NM_001378617.1); short protein forms P400A, P351A.
Identifiers: ClinVar variation 1390720 (VCV001390720.8), dbSNP rs759074579, ClinGen allele CA92524368.